The following is an entry in ClinVar:

ClinVar aggregate classification (germline): Uncertain significance (1 of 4 stars; one submission).

Conditions:
Severe combined immunodeficiency due to DNA-PKcs deficiency. Also called: Immunodeficiency 26 with or without neurologic abnormalities; IMMUNODEFICIENCY 26 WITH NEUROLOGIC ABNORMALITIES. Identifiers: Orphanet 317425, MedGen C4014833, MONDO:0014423, OMIM 615966.

Submission:

Labcorp Genetics (formerly Invitae), Labcorp
Classification: Uncertain significance for Severe combined immunodeficiency due to DNA-PKcs deficiency. Last evaluated: 2022-09-10. Review status: criteria provided, single submitter. Criteria: Invitae Variant Classification Sherloc (09022015). Collection method: clinical testing. Allele origin: germline.
Comment: In summary, the available evidence is currently insufficient to determine the role of this variant in disease. Therefore, it has been classified as a Variant of Uncertain Significance. Algorithms developed to predict the effect of sequence changes on RNA splicing suggest that this variant may create or strengthen a splice site. This variant has not been reported in the literature in individuals affected with PRKDC-related conditions. This variant is not present in population databases (gnomAD no frequency). This sequence change falls in intron 63 of the PRKDC gene. It does not directly change the encoded amino acid sequence of the PRKDC protein.

NM_006904.7(PRKDC):c.8783+17del

Genes: PRKDC (protein kinase, DNA-activated, catalytic subunit; minus strand), LOC121740717 (Sharpr-MPRA regulatory region 7649; plus strand). Cytogenetic location: 8q11.21.
Variant type: Deletion.
Coding change: c.8783+17del on transcript NM_006904.7 (MANE Select); 17 bases into the intron after coding-DNA position 8783, one base deleted (G; older notation c.8783+17delG).
Molecular consequence: intron variant.
Genome position (GRCh38, 1-based): chr8:47,826,639, C deleted on the plus strand (G on the coding strand, the reverse complement: PRKDC is on the minus strand); the first of 2 consecutive C bases (chr8:47,826,639-47,826,640); deleting either gives the same sequence. VCF-style (leftmost placement, unchanged base first): chr8-47826638-AC-A. GRCh37 (hg19) VCF-style: chr8-48739199-AC-A.
Other names: c.8783+17del (NM_001081640.2).
Identifiers: ClinVar variation 2000468 (VCV002000468.4), dbSNP rs2551866105, ClinGen allele CA2580078341.